The following is an entry in ClinVar:

NC_000023.11:g.(?_31875168)_(31875393_?)del

Gene: DMD (dystrophin; minus strand). Cytogenetic location: Xp21.1.
Variant type: Deletion.
Identifiers: ClinVar variation 526142 (VCV000526142.1).

ClinVar aggregate classification (germline): Pathogenic (1 of 4 stars; one submission).

Conditions:
Duchenne muscular dystrophy (DMD). Also called: Duchenne Muscular Dystrophy (DMD); MUSCULAR DYSTROPHY, PSEUDOHYPERTROPHIC PROGRESSIVE, DUCHENNE TYPE. Identifiers: Orphanet 98896, MedGen C0013264, MONDO:0010679, OMIM 310200.

Submission:

Labcorp Genetics (formerly Invitae), Labcorp
Classification: Pathogenic for Duchenne muscular dystrophy. Last evaluated: 2018-05-02. Review status: criteria provided, single submitter. Criteria: Invitae Variant Classification Sherloc (09022015). Collection method: clinical testing. Allele origin: germline.
Comment: This variant is a gross deletion of the genomic region encompassing exon 48 of the DMD gene. This leads to an in-frame deletion, preserving the integrity of the reading frame. Similar deletions have been reported in several individuals affected with Becker or Duchenne muscular dystrophy (PMID: 2063877, 25482253, 9007319). For these reasons, this variant has been classified as Pathogenic.

Literature cited by the submitters: PubMed 2063877; PubMed 9007319; PubMed 25482253.